The following is an entry in ClinVar:

ClinVar aggregate classification (germline): Uncertain significance. Review status: criteria provided, multiple submitters, no conflicts (2 of 4 stars). 2 submissions from 2 submitters: Uncertain significance (2). Last evaluated 2024-05-01.

Conditions:
Hereditary cancer-predisposing syndrome. Also called: Tumor predisposition; Neoplastic Syndromes, Hereditary; Hereditary Cancer Syndrome; Hereditary neoplastic syndrome. Identifiers: Orphanet 140162, MedGen C0027672, MeSH D009386, MONDO:0015356.
Ataxia-telangiectasia syndrome (AT). Also called: ATAXIA-TELANGIECTASIA, COMPLEMENTATION GROUP A; ATAXIA-TELANGIECTASIA, FRESNO VARIANT; Ataxia-telangiectasia; Ataxia-telangiectasia, complementation group D; AT, COMPLEMENTATION GROUP C; Ataxia-telangiectasia, complementation group E. Identifiers: Orphanet 100, MedGen C0004135, MONDO:0008840, OMIM 208900.

Allele frequency attached by ClinVar (database versions not stated): gnomAD 0.00001; gnomAD exomes below 0.00001.
gnomAD v4.1: 2 of 1,614,040 alleles (0.00012%); highest among the groups gnomAD compares: Admixed American, 0.0017%; no homozygotes.

Submissions (2):

Labcorp Genetics (formerly Invitae), Labcorp
Classification: Uncertain significance for Ataxia-telangiectasia syndrome. Last evaluated: 2024-05-01. Review status: criteria provided, single submitter. Criteria: Invitae Variant Classification Sherloc (09022015). Collection method: clinical testing. Allele origin: germline.
Comment: This sequence change replaces glutamic acid, which is acidic and polar, with glutamine, which is neutral and polar, at codon 3015 of the ATM protein (p.Glu3015Gln). This variant is not present in population databases (gnomAD no frequency). This variant has not been reported in the literature in individuals affected with ATM-related conditions. ClinVar contains an entry for this variant (Variation ID: 822937). An algorithm developed to predict the effect of missense changes on protein structure and function (PolyPhen-2) suggests that this variant is likely to be tolerated. In summary, the available evidence is currently insufficient to determine the role of this variant in disease. Therefore, it has been classified as a Variant of Uncertain Significance.

Ambry Genetics
Classification: Uncertain significance for Hereditary cancer-predisposing syndrome. Last evaluated: 2019-10-16. Review status: criteria provided, single submitter. Criteria: Ambry Variant Classification Scheme 2023. Collection method: clinical testing. Allele origin: germline.
Comment: The p.E3015Q variant (also known as c.9043G>C), located in coding exon 62 of the ATM gene, results from a G to C substitution at nucleotide position 9043. The glutamic acid at codon 3015 is replaced by glutamine, an amino acid with highly similar properties. This amino acid position is well conserved in available vertebrate species. In addition, this alteration is predicted to be tolerated by in silico analysis. Since supporting evidence is limited at this time, the clinical significance of this alteration remains unclear.

NM_000051.4(ATM):c.9043G>C (p.Glu3015Gln)

Genes: ATM (ATM serine/threonine kinase; plus strand), C11orf65 (chromosome 11 open reading frame 65; minus strand). Cytogenetic location: 11q22.3.
Variant type: single nucleotide variant.
Coding change: c.9043G>C on transcript NM_000051.4 (MANE Select); coding-DNA position 9043, G replaced by C.
Protein change: p.Glu3015Gln; replaces glutamic acid 3015 with glutamine.
Molecular consequence: missense variant. On other transcripts: intron variant (2).
Genome position (GRCh38, 1-based): chr11:108,365,380, G>C. VCF-style: chr11-108365380-G-C. GRCh37 (hg19) VCF-style: chr11-108236107-G-C.
Other names: c.9043G>C, p.Glu3015Gln (NM_001351834.2); c.640+20540C>G (NM_001330368.2); c.694+20540C>G (NM_001351110.2); short protein forms E3015Q.
Identifiers: ClinVar variation 822937 (VCV000822937.9), dbSNP rs1591387120, ClinGen allele CA382531375.